The following is an entry in ClinVar:

NM_001354604.2(MITF):c.437C>A (p.Thr146Asn)

Gene: MITF (melanocyte inducing transcription factor; plus strand). Cytogenetic location: 3p13.
Variant type: single nucleotide variant.
Coding change: c.437C>A on transcript NM_001354604.2 (MANE Select); coding-DNA position 437, C replaced by A.
Protein change: p.Thr146Asn; replaces threonine 146 with asparagine.
Molecular consequence: missense variant. On other transcripts: intron variant (1).
Genome position (GRCh38, 1-based): chr3:69,937,904, C>A. VCF-style: chr3-69937904-C-A. GRCh37 (hg19) VCF-style: chr3-69987055-C-A.
Other names: c.116C>A, p.Thr39Asn (NM_000248.4, NM_001184968.2, NM_198158.3); c.281C>A, p.Thr94Asn (NM_001184967.2, NM_001354608.2); c.434C>A, p.Thr145Asn (NM_001354605.2, NM_001354606.2, NM_006722.3); c.386C>A, p.Thr129Asn (NM_001354607.2); c.437C>A, p.Thr146Asn (NM_198159.3); c.389C>A, p.Thr130Asn (NM_198177.3); c.93+23C>A (NM_198178.3); short protein forms T129N, T130N, T145N, T146N, T39N, T94N.
Identifiers: ClinVar variation 3751593 (VCV003751593.2).
Genomic context (GRCh38, chr3:69,937,904, plus strand): 5'-CCACCAAGTACCACATACAGCAAGCCCAACGGCAGCAGGTAAAGCAGTACCTTTCTACCA[C>A]TTTAGCAAATAAACATGCCAACCAAGTCCTGAGCTTGCCATGTCCAAACCAGCCTGGCGA-3'
Protein context (NP_001341533.1, residues 136-156): RQQVKQYLST[Thr146Asn]LANKHANQVL

ClinVar aggregate classification (germline): Uncertain significance (1 of 4 stars; one submission).

Conditions:
Tietz syndrome (TADS). Also called: HYPOPIGMENTATION/DEAFNESS OF TIETZ; TIETZ ALBINISM-DEAFNESS SYNDROME; ALBINISM-DEAFNESS OF TIETZ. Identifiers: Orphanet 42665, MedGen C0391816, MONDO:0007077, OMIM 103500.
Waardenburg syndrome type 2A (WS2A). Also called: WAARDENBURG SYNDROME WITHOUT DYSTOPIA CANTHORUM. Identifiers: Orphanet 3440, MedGen C1860339, MONDO:0008671, OMIM 193510.
Melanoma, cutaneous malignant, susceptibility to, 8. Also called: MELANOMA AND RENAL CELL CARCINOMA, SUSCEPTIBILITY TO; Cutaneous malignant melanoma 8. Identifiers: Orphanet 293822, MedGen C3152204, MONDO:0013759, OMIM 614456.

gnomAD v4.1: 1 of 1,614,162 alleles (0.000062%); highest among the groups gnomAD compares: Non-Finnish European, 0.000085%; no homozygotes.

Submission:

Labcorp Genetics (formerly Invitae), Labcorp
Classification: Uncertain significance for Melanoma, cutaneous malignant, susceptibility to, 8; Waardenburg syndrome type 2A; Tietz syndrome. Last evaluated: 2025-09-16. Review status: criteria provided, single submitter. Criteria: Invitae Variant Classification Sherloc (09022015). Collection method: clinical testing. Allele origin: germline.
Comment: This sequence change replaces threonine, which is neutral and polar, with asparagine, which is neutral and polar, at codon 39 of the MITF protein (p.Thr39Asn). This variant is not present in population databases (gnomAD no frequency). This variant has not been reported in the literature in individuals affected with MITF-related conditions. ClinVar contains an entry for this variant (Variation ID: 3751593). Invitae Evidence Modeling of protein sequence and biophysical properties (such as structural, functional, and spatial information, amino acid conservation, physicochemical variation, residue mobility, and thermodynamic stability) indicates that this missense variant is expected to disrupt MITF protein function with a positive predictive value of 80%. In summary, the available evidence is currently insufficient to determine the role of this variant in disease. Therefore, it has been classified as a Variant of Uncertain Significance.